The following is an entry in ClinVar:

NM_004371.4(COPA):c.1723G>A (p.Gly575Ser)

Gene: COPA (coat protein complex I subunit alpha; minus strand). Cytogenetic location: 1q23.2.
Variant type: single nucleotide variant.
Coding change: c.1723G>A on transcript NM_004371.4 (MANE Select); coding-DNA position 1723, G replaced by A.
Protein change: p.Gly575Ser; replaces glycine 575 with serine.
Molecular consequence: missense variant.
Genome position (GRCh38, 1-based): chr1:160,299,209, C>T on the plus strand (G>A on the coding strand, the complement: COPA is on the minus strand). VCF-style: chr1-160299209-C-T. GRCh37 (hg19) VCF-style: chr1-160268999-C-T.
Other names: c.1750G>A, p.Gly584Ser (NM_001098398.2); short protein forms G584S, G575S.
Identifiers: ClinVar variation 1438602 (VCV001438602.6), dbSNP rs1658515221, ClinGen allele CA343281097.
Genomic context (GRCh38, chr1:160,299,209, plus strand): 5'-TGGGATCAATGGTGAGTACCCGGGGACGACACTCCCTGTCTAGGCAGTATACATTGTTGC[C>T]CTTCACCCGTGTGACATAGATGGGTAAATCCAGAGTTCGAATGATCCCGTGGTCCCTAAG-3'
Protein context (NP_004362.2, residues 565-585): DLPIYVTRVK[Gly575Ser]NNVYCLDREC

ClinVar aggregate classification (germline): Uncertain significance (1 of 4 stars; one submission).

Conditions:
Autoimmune interstitial lung disease-arthritis syndrome. Also called: Autoinflammation and autoimmunity, systemic, with immune dysregulation. Identifiers: Orphanet 444092, MedGen C5975714, MONDO:0014629.

Allele frequency attached by ClinVar (database versions not stated): gnomAD 0.00001.
gnomAD v4.1: 5 of 1,614,000 alleles (0.00031%); highest among the groups gnomAD compares: African/African-American, 0.0013%; no homozygotes.

Submission:

Labcorp Genetics (formerly Invitae), Labcorp
Classification: Uncertain significance for Autoimmune interstitial lung disease-arthritis syndrome. Last evaluated: 2023-08-27. Review status: criteria provided, single submitter. Criteria: Invitae Variant Classification Sherloc (09022015). Collection method: clinical testing. Allele origin: germline.
Comment: Advanced modeling of protein sequence and biophysical properties (such as structural, functional, and spatial information, amino acid conservation, physicochemical variation, residue mobility, and thermodynamic stability) performed at Invitae indicates that this missense variant is not expected to disrupt COPA protein function. In summary, the available evidence is currently insufficient to determine the role of this variant in disease. Therefore, it has been classified as a Variant of Uncertain Significance. This sequence change replaces glycine, which is neutral and non-polar, with serine, which is neutral and polar, at codon 575 of the COPA protein (p.Gly575Ser). This variant is not present in population databases (gnomAD no frequency). This variant has not been reported in the literature in individuals affected with COPA-related conditions. ClinVar contains an entry for this variant (Variation ID: 1438602).